The following is an entry in ClinVar:

NM_198253.3(TERT):c.662C>T (p.Ala221Val)

Gene: TERT (telomerase reverse transcriptase; minus strand). Cytogenetic location: 5p15.33.
Variant type: single nucleotide variant.
Coding change: c.662C>T on transcript NM_198253.3 (MANE Select); coding-DNA position 662, C replaced by T.
Protein change: p.Ala221Val; replaces alanine 221 with valine.
Molecular consequence: missense variant. On other transcripts: non-coding transcript variant (2).
Genome position (GRCh38, 1-based): chr5:1,294,224, G>A on the plus strand (C>T on the coding strand, the complement: TERT is on the minus strand). VCF-style: chr5-1294224-G-A. GRCh37 (hg19) VCF-style: chr5-1294339-G-A.
Other names: c.662C>T, p.Ala221Val (NM_001193376.3); short protein forms A221V.
Identifiers: ClinVar variation 1024367 (VCV001024367.9), dbSNP rs1751221457, ClinGen allele CA359057077.

ClinVar aggregate classification (germline): Uncertain significance (1 of 4 stars; one submission).

Conditions:
Idiopathic Pulmonary Fibrosis. Also called: Idiopathic fibrosing alveolitis, chronic form; idiopathic fibrosing alveolitis. Identifiers: Orphanet 2032, MedGen C1800706, MeSH D054990, MONDO:0800504.
Dyskeratosis congenita, autosomal dominant 2. Identifiers: MedGen C3151443, MONDO:0013521, OMIM 613989.

Submission:

Labcorp Genetics (formerly Invitae), Labcorp
Classification: Uncertain significance for Dyskeratosis congenita, autosomal dominant 2; Idiopathic Pulmonary Fibrosis. Last evaluated: 2023-08-29. Review status: criteria provided, single submitter. Criteria: Invitae Variant Classification Sherloc (09022015). Collection method: clinical testing. Allele origin: germline.
Comment: In summary, the available evidence is currently insufficient to determine the role of this variant in disease. Therefore, it has been classified as a Variant of Uncertain Significance. This variant is not present in population databases (gnomAD no frequency). This variant has not been reported in the literature in individuals affected with TERT-related conditions. ClinVar contains an entry for this variant (Variation ID: 1024367). Algorithms developed to predict the effect of missense changes on protein structure and function output the following: SIFT: "Not Available"; PolyPhen-2: "Benign"; Align-GVGD: "Not Available". The valine amino acid residue is found in multiple mammalian species, which suggests that this missense change does not adversely affect protein function. This sequence change replaces alanine, which is neutral and non-polar, with valine, which is neutral and non-polar, at codon 221 of the TERT protein (p.Ala221Val).